The following is an entry in ClinVar:

ClinVar aggregate classification (germline): Likely benign. Review status: reviewed by expert panel (3 of 4 stars). 10 submissions from 10 submitters: Likely benign (1). 9 of the submissions do not count toward it. Last evaluated 2019-09-24.

Conditions:
RASopathy. Also called: Noonan spectrum disorder; rasopathies. Identifiers: Orphanet 536391, MedGen C5555857, MONDO:0021060.
Cardiovascular phenotype. Identifiers: MedGen CN230736.
Primary dilated cardiomyopathy (DCM). Also called: Dilated Cardiomyopathy. Identifiers: Orphanet 217604, MedGen C0007193, MeSH D002311, MONDO:0005021, HP:0001644. Inheritance: Various modes of inheritance.

Submissions (10):

ClinGen RASopathy Variant Curation Expert Panel
Classification: Likely benign for RASopathy. Last evaluated: 2019-09-24. Review status: reviewed by expert panel. Criteria: ClinGen RASopathy ACMG Specifications v1. Collection method: curation. Allele origin: germline. Inheritance: Autosomal dominant inheritance.
Comment: The c.124_125delinsAT (p.Ala42Ile) variant in RAF1 is reported in population databases as two contiguous missense variants: c.124G>A and c.125C>T in cis in 27/64,595 (0.03%) European individuals in gnomAD. This meets the cut off set by the ClinGen RASopathy Variant Curation Expert Panel to apply BS1. This variant has been observed in at least 22 individuals (SCV000858114.1, SCV000698121.1, SCV000272341.3, SCV000552093.5, GeneDx internal data). This variant was observed in an individual with an alternate molecular basis for disease (BP5; SCV000698121.1 ). Computational prediction tools and conservation analysis suggest that the p.Ala42Ile variant does not impact the protein (BP4). In summary, this variant meets criteria to be classified as likely benign. RASopathy-specific ACMG/AMP criteria applied (PMID:29493581): BS1, BP5, BP4.

Labcorp Genetics (formerly Invitae), Labcorp
Classification: Uncertain significance for RASopathy. Last evaluated: 2026-01-09. Review status: criteria provided, single submitter. Criteria: Invitae Variant Classification Sherloc (09022015). Collection method: clinical testing. Allele origin: germline. Not counted in ClinVar's aggregate classification.
Comment: This sequence change replaces alanine, which is neutral and non-polar, with isoleucine, which is neutral and non-polar, at codon 42 of the RAF1 protein (p.Ala42Ile). This variant is present in population databases (no rsID available, gnomAD 0.03%), and has an allele count higher than expected for a pathogenic variant. This missense change has been observed in individual(s) with RAF1-related conditions (PMID: 26656175, 33500567). ClinVar contains an entry for this variant (Variation ID: 229175). An algorithm developed to predict the effect of missense changes on protein structure and function (PolyPhen-2) suggests that this variant is likely to be tolerated. In summary, the available evidence is currently insufficient to determine the role of this variant in disease. Therefore, it has been classified as a Variant of Uncertain Significance.

Molecular Diagnostic Laboratory for Inherited Cardiovascular Disease, Montreal Heart Institute
Classification: Likely benign. Last evaluated: 2025-07-24. Review status: criteria provided, single submitter. Criteria: ACMG Guidelines, 2015. Collection method: clinical testing. Allele origin: germline. Affected: no. Not counted in ClinVar's aggregate classification.

Clinical Genomics Laboratory, Washington University in St. Louis
Classification: Uncertain significance for dilated cardiomyopathy. Last evaluated: 2025-01-24. Review status: criteria provided, single submitter. Criteria: ACMG Guidelines, 2015. Collection method: clinical testing. Allele origin: germline. Not counted in ClinVar's aggregate classification.
Comment: The RAF1 c.124_125delinsAT (p.Ala42Ile) variant has been identified in one individual with left ventricular noncompaction, one individual with hypertrophic cardiomyopathy and one individual with neurodevelopmental disorder (Mazzarotto F et al., PMID: 33500567; Bottillo I et al., PMID: 26656175; de Le√≥n-Ojeda, N. E. et al., (2024). Advanced Neurology). This variant has been reported in the ClinVar database as a germline variant of uncertain significance by five submitters and a germline likely benign/benign variant by four submitters, including an expert panel (Variation ID: 229175). This variant is observed on 87/282,888 alleles in the general population (gnomAD v.2.1.1). Due to limited information, the clinical significance of this variant is uncertain.

Women's Health and Genetics/Laboratory Corporation of America, LabCorp
Classification: Benign. Last evaluated: 2019-09-05. Review status: criteria provided, single submitter. Criteria: LabCorp Variant Classification Summary - May 2015. Collection method: clinical testing. Allele origin: germline. Not counted in ClinVar's aggregate classification.
Comment: Variant summary: RAF1 c.124_125delinsAT (p.Ala42Ile) results in a non-conservative amino acid change in the encoded protein sequence. Three of five in-silico tools predict a damaging effect of the variant on protein function. The variant allele was found at a frequency of 0.0003 in 277244 control chromosomes. The observed variant frequency is approximately 12-fold over the estimated maximal expected allele frequency for a pathogenic variant in RAF1 causing Noonan Syndrome and Related Conditions phenotype (2.5e-05), strongly suggesting that the variant is benign. c.124_125delinsAT has been reported in the literature in an individual affected with hypertrophic cardiomyopathy (Bottillo_2016). This report does not provide an unequivocal conclusion about association of the variant with Noonan Syndrome and Related Conditions. A co-occurrence with another pathogenic variant has been internally reported (PTPN11 c.923A>G, p.Asn308Ser), providing supporting evidence for a benign role. To our knowledge, no experimental evidence demonstrating an impact on protein function has been reported. Three ClinVar submissions (evaluation after 2014) cite the variant as uncertain significance. Based on the evidence outlined above, the variant was classified as benign.

Revvity Omics, Revvity
Classification: Uncertain significance. Last evaluated: 2019-04-05. Review status: criteria provided, single submitter. Criteria: ACMG Guidelines, 2015. Collection method: clinical testing. Allele origin: germline. Not counted in ClinVar's aggregate classification.

Ambry Genetics
Classification: Likely benign for Cardiovascular phenotype. Last evaluated: 2018-03-30. Review status: criteria provided, single submitter. Criteria: Ambry Variant Classification Scheme 2023. Collection method: clinical testing. Allele origin: germline. Not counted in ClinVar's aggregate classification.

Eurofins Ntd Llc (ga)
Classification: Uncertain significance. Last evaluated: 2017-11-26. Review status: criteria provided, single submitter. Criteria: EGL Classification Definitions 2015. Collection method: clinical testing. Allele origin: germline. Observed: 1 variant allele, 1 heterozygote. Not counted in ClinVar's aggregate classification.

GeneDx
Classification: Benign. Last evaluated: 2016-09-16. Review status: criteria provided, single submitter. Criteria: GeneDx Variant Classification Process June 2021. Collection method: clinical testing. Allele origin: germline. Affected: yes. Not counted in ClinVar's aggregate classification.

Laboratory for Molecular Medicine, Mass General Brigham Personalized Medicine
Classification: Uncertain significance. Last evaluated: 2015-11-03. Review status: criteria provided, single submitter. Criteria: LMM Criteria. Collection method: clinical testing. Allele origin: germline. Observed: 4 variant alleles. Not counted in ClinVar's aggregate classification.
Comment: This variant represents two adjacent base pair changes that are prese nt on the same copy of the RAF1 gene and result in the substitution of a single alanine (Ala) residue at position 42 with an isoleucine (Ile). These are reporte d as 2 separate changes in the ExAC database (c.124G>A and c.125C>T), each prese nt in 25/66738 European chromosomes (ExAC; dbSNP rs115499992 and rs200856000) but have been confirmed to be present in cis (pers onal communication). Computational prediction tools and conservation analyses do not provide strong support for or against an impact to the protein. In summary, the clinical significance of the p.Ala42Ile variant is uncertain.

Literature cited by the submitters: PubMed 26656175 (cited by Labcorp Genetics (formerly Invitae), Labcorp and Women's Health and Genetics/Laboratory Corporation of America, LabCorp); PubMed 33500567 (cited by Labcorp Genetics (formerly Invitae), Labcorp).

NM_002880.4(RAF1):c.124_125delinsAT (p.Ala42Ile)

Gene: RAF1 (Raf-1 proto-oncogene, serine/threonine kinase; minus strand). Cytogenetic location: 3p25.2.
Variant type: Indel.
Coding change: c.124_125delinsAT on transcript NM_002880.4 (MANE Select); coding-DNA positions 124 to 125, GC replaced by AT.
Protein change: p.Ala42Ile; replaces alanine 42 with isoleucine.
Molecular consequence: missense variant. On other transcripts: 5 prime UTR variant (4), non-coding transcript variant (3).
Genome position (GRCh38, 1-based): chr3:12,618,597-12,618,598, GC replaced by AT on the plus strand (GC replaced by AT on the coding strand, the reverse complement: RAF1 is on the minus strand). VCF-style: chr3-12618597-GC-AT. GRCh37 (hg19) VCF-style: chr3-12660096-GC-AT.
Other names: c.124_125delGCinsAT (NM_002880.3); c.124_125delinsAT (NM_002880.3); c.124_125delinsAT, p.Ala42Ile (NM_001354689.3, NM_001354690.3, NM_001354693.3); c.-7_-6delinsAT (NM_001354691.3, NM_001354692.3, NM_001354694.3 and 1 more transcripts); short protein forms A42I.
Identifiers: ClinVar variation 229175 (VCV000229175.32), dbSNP rs876657965, ClinGen allele CA10576608.
Genomic context (GRCh38, chr3:12,618,597, plus strand): 5'-AAGAAAACACGGATAGTGTTGCTTGTCTTAGAAGGATCTGTGAGTTTGCCATCATCTGAT[GC>AT]CCGGCGCTGATAGCCAAACTGCTGAACTATTGTAGGAGAGATGCAGCTGGAGCCATCAAA-3'
Protein context (NP_002871.1, residues 32-52): IVQQFGYQRR[Ala42Ile]SDDGKLTDPS